The following is an entry in ClinVar:

ClinVar aggregate classification (germline): Likely benign. Review status: criteria provided, multiple submitters, no conflicts (2 of 4 stars). 2 submissions from 2 submitters: Likely benign (2). Last evaluated 2025-10-19.

Allele frequency attached by ClinVar (database versions not stated): gnomAD exomes 0.00004; ExAC 0.00007; gnomAD 0.00007; ESP Exome Variant Server 0.00008; TOPMed 0.00014; 1000 Genomes Project 30x 0.00016; 1000 Genomes Project 0.00020.
gnomAD v4.1: 90 of 1,614,122 alleles (0.0056%); highest among the groups gnomAD compares: Middle Eastern, 0.066%; no homozygotes.

Submissions (2):

Labcorp Genetics (formerly Invitae), Labcorp
Classification: Likely benign. Last evaluated: 2025-10-19. Review status: criteria provided, single submitter. Criteria: Invitae Variant Classification Sherloc (09022015). Collection method: clinical testing. Allele origin: germline.

CeGaT Center for Human Genetics Tuebingen
Classification: Likely benign. Last evaluated: 2025-07-01. Review status: criteria provided, single submitter. Criteria: CeGaT Center For Human Genetics Tuebingen Variant Classification Criteria Version 2. Collection method: clinical testing. Allele origin: germline. Affected: yes. Observed: 1 variant allele.
Comment: KIF23: BP4, BP7

NM_001367805.3(KIF23):c.975G>A (p.Gln325=)

Gene: KIF23 (kinesin family member 23; plus strand). Cytogenetic location: 15q23.
Variant type: single nucleotide variant.
Coding change: c.975G>A on transcript NM_001367805.3 (MANE Select); coding-DNA position 975, G replaced by A.
Protein change: p.Gln325=; no amino-acid change (glutamine 325 retained).
Molecular consequence: synonymous variant. On other transcripts: non-coding transcript variant (2).
Genome position (GRCh38, 1-based): chr15:69,426,421, G>A. VCF-style: chr15-69426421-G-A. GRCh37 (hg19) VCF-style: chr15-69718760-G-A.
Other names: c.603G>A, p.Gln201= (NM_001281301.2); c.933G>A, p.Gln311= (NM_001367804.2, NM_004856.7, NM_138555.4).
Identifiers: ClinVar variation 2715727 (VCV002715727.11), dbSNP rs374916480, ClinGen allele CA7635035.